The following is an entry in ClinVar:

ClinVar aggregate classification (germline): Uncertain significance (1 of 4 stars; one submission).

Conditions:
Cystinuria (CSNU). Also called: CYSTINURIA, TYPE I; CYSTINURIA, TYPE II; CYSTINURIA, TYPE III; Cystinuria, non-type I. Identifiers: Orphanet 214, MedGen C0010691, MONDO:0009067, OMIM 220100, HP:0003131.

Allele frequency attached by ClinVar (database versions not stated): TOPMed 0.00001.

Submission:

Labcorp Genetics (formerly Invitae), Labcorp
Classification: Uncertain significance for Cystinuria. Last evaluated: 2022-04-06. Review status: criteria provided, single submitter. Criteria: Invitae Variant Classification Sherloc (09022015). Collection method: clinical testing. Allele origin: germline.
Comment: This sequence change replaces valine, which is neutral and non-polar, with alanine, which is neutral and non-polar, at codon 361 of the SLC3A1 protein (p.Val361Ala). This variant is not present in population databases (gnomAD no frequency). This variant has not been reported in the literature in individuals affected with SLC3A1-related conditions. Algorithms developed to predict the effect of missense changes on protein structure and function are either unavailable or do not agree on the potential impact of this missense change (SIFT: "Tolerated"; PolyPhen-2: "Possibly Damaging"; Align-GVGD: "Class C0"). In summary, the available evidence is currently insufficient to determine the role of this variant in disease. Therefore, it has been classified as a Variant of Uncertain Significance.

NM_000341.4(SLC3A1):c.1082T>C (p.Val361Ala)

Gene: SLC3A1 (solute carrier family 3 member 1; plus strand). Cytogenetic location: 2p21.
Variant type: single nucleotide variant.
Coding change: c.1082T>C on transcript NM_000341.4 (MANE Select); coding-DNA position 1082, T replaced by C.
Protein change: p.Val361Ala; replaces valine 361 with alanine.
Molecular consequence: missense variant.
Genome position (GRCh38, 1-based): chr2:44,301,073, T>C. VCF-style: chr2-44301073-T-C. GRCh37 (hg19) VCF-style: chr2-44528212-T-C.
Other names: short protein forms V361A.
Identifiers: ClinVar variation 2012098 (VCV002012098.4), dbSNP rs1195620140, ClinGen allele CA346681371.